The following is an entry in ClinVar:

ClinVar aggregate classification (germline): Benign/Likely benign. Review status: criteria provided, multiple submitters, no conflicts (2 of 4 stars). 4 submissions from 4 submitters: Benign (1); Likely benign (3). Last evaluated 2026-01-21.

Conditions:
Primary ciliary dyskinesia. Also called: Ciliary dyskinesia. Identifiers: Orphanet 244, MedGen C0008780, MONDO:0016575, HP:0012265.
Primary ciliary dyskinesia 23 (CILD23). Also called: CILIARY DYSKINESIA, PRIMARY, 23, WITH OR WITHOUT SITUS INVERSUS. Identifiers: Orphanet 244, MedGen C3809548, MONDO:0014193, OMIM 615451.

Allele frequency attached by ClinVar (database versions not stated): gnomAD exomes 0.00035; ExAC 0.00042; gnomAD 0.00137; ESP Exome Variant Server 0.00169; TOPMed 0.00169; 1000 Genomes Project 30x 0.00172; 1000 Genomes Project 0.00180.
gnomAD v4.1: 467 of 1,614,062 alleles (0.029%); highest among the groups gnomAD compares: African/African-American, 0.51%; 1 homozygote.

Submissions (4):

Labcorp Genetics (formerly Invitae), Labcorp
Classification: Likely benign for Primary ciliary dyskinesia 23. Last evaluated: 2026-01-21. Review status: criteria provided, single submitter. Criteria: Invitae Variant Classification Sherloc (09022015). Collection method: clinical testing. Allele origin: germline.

Mayo Clinic Laboratories, Mayo Clinic
Classification: Likely benign. Last evaluated: 2025-01-15. Review status: criteria provided, single submitter. Criteria: ACMG Guidelines, 2015. Collection method: clinical testing. Allele origin: germline. Observed: 1 variant allele.
Comment: BS1, BP4

Ambry Genetics
Classification: Benign for Primary ciliary dyskinesia. Last evaluated: 2017-09-28. Review status: criteria provided, single submitter. Criteria: Ambry Variant Classification Scheme 2023. Collection method: clinical testing. Allele origin: germline.

Breakthrough Genomics
Classification: Likely benign. Review status: criteria provided, single submitter. Criteria: ACMG Guidelines, 2015. Collection method: not provided. Allele origin: germline. Inheritance: Autosomal recessive inheritance. Affected: yes.

NM_018076.5(ODAD2):c.1654A>C (p.Lys552Gln)

Gene: ODAD2 (outer dynein arm docking complex subunit 2; minus strand). Cytogenetic location: 10p12.1.
Variant type: single nucleotide variant.
Coding change: c.1654A>C on transcript NM_018076.5 (MANE Select); coding-DNA position 1654, A replaced by C.
Protein change: p.Lys552Gln; replaces lysine 552 with glutamine.
Molecular consequence: missense variant.
Genome position (GRCh38, 1-based): chr10:27,944,311, T>G on the plus strand (A>C on the coding strand, the complement: ODAD2 is on the minus strand). VCF-style: chr10-27944311-T-G. GRCh37 (hg19) VCF-style: chr10-28233240-T-G.
Other names: p.Lys552Gln; c.1654A>C, p.Lys552Gln (NM_001290020.2); c.229A>C, p.Lys77Gln (NM_001290021.2); c.730A>C, p.Lys244Gln (NM_001312689.2); short protein forms K552Q, K244Q, K77Q.
Identifiers: ClinVar variation 417176 (VCV000417176.14), dbSNP rs138205369, ClinGen allele CA5453466.